The following is an entry in ClinVar:

NM_020207.7(ERCC6L2):c.395G>A (p.Arg132Gln)

Gene: ERCC6L2 (ERCC excision repair 6 like 2; plus strand). Cytogenetic location: 9q22.32.
Variant type: single nucleotide variant.
Coding change: c.395G>A on transcript NM_020207.7 (MANE Select); coding-DNA position 395, G replaced by A.
Protein change: p.Arg132Gln; replaces arginine 132 with glutamine.
Molecular consequence: missense variant. On other transcripts: non-coding transcript variant (1).
Genome position (GRCh38, 1-based): chr9:95,881,217, G>A. VCF-style: chr9-95881217-G-A. GRCh37 (hg19) VCF-style: chr9-98643499-G-A.
Other names: c.395G>A, p.Arg132Gln (NM_001010895.4, NM_001375291.1, NM_001375292.1 and 2 more transcripts); short protein forms R132Q.
Identifiers: ClinVar variation 3695972 (VCV003695972.3).
Genomic context (GRCh38, chr9:95,881,217, plus strand): 5'-GAGACTCTATTCCTTATACCATCAATAGGTATTTGAGAGACTACCAAAGAGAAGGAACCC[G>A]GTTTCTTTATGGACACTACATCCATGGAGGAGGGTGCATTCTGGGTGATGACATGGGACT-3'
Protein context (NP_064592.3, residues 122-142): YLRDYQREGT[Arg132Gln]FLYGHYIHGG

ClinVar aggregate classification (germline): Conflicting classifications of pathogenicity. Review status: criteria provided, conflicting classifications (1 of 4 stars). 2 submissions from 2 submitters: Uncertain significance (1); Likely benign (1). Last evaluated 2026-01-18.

Conditions:
Inborn genetic diseases. Identifiers: MedGen C0950123, MeSH D030342.

gnomAD v4.1: 11 of 1,605,284 alleles (0.00069%); highest among the groups gnomAD compares: African/African-American, 0.0027%; no homozygotes.

Submissions (2):

Labcorp Genetics (formerly Invitae), Labcorp
Classification: Uncertain significance. Last evaluated: 2026-01-18. Review status: criteria provided, single submitter. Criteria: Invitae Variant Classification Sherloc (09022015). Collection method: clinical testing. Allele origin: germline.
Comment: This sequence change replaces arginine, which is basic and polar, with glutamine, which is neutral and polar, at codon 143 of the ERCC6L2 protein (p.Arg143Gln). This variant is present in population databases (no rsID available, gnomAD 0.006%). This variant has not been reported in the literature in individuals affected with ERCC6L2-related conditions. ClinVar contains an entry for this variant (Variation ID: 3695972). An algorithm developed to predict the effect of missense changes on protein structure and function outputs the following: PolyPhen-2: "Not Available". The glutamine amino acid residue is found in multiple mammalian species, which suggests that this missense change does not adversely affect protein function. In summary, the available evidence is currently insufficient to determine the role of this variant in disease. Therefore, it has been classified as a Variant of Uncertain Significance.

Ambry Genetics
Classification: Likely benign for Inborn genetic diseases. Last evaluated: 2025-02-23. Review status: criteria provided, single submitter. Criteria: Ambry Variant Classification Scheme 2023. Collection method: clinical testing. Allele origin: germline.